The following is an entry in ClinVar:

NM_000152.5(GAA):c.206A>G (p.Gln69Arg)

Gene: GAA (alpha glucosidase; plus strand). Cytogenetic location: 17q25.3.
Variant type: single nucleotide variant.
Coding change: c.206A>G on transcript NM_000152.5 (MANE Select); coding-DNA position 206, A replaced by G.
Protein change: p.Gln69Arg; replaces glutamine 69 with arginine.
Molecular consequence: missense variant.
Genome position (GRCh38, 1-based): chr17:80,104,792, A>G. VCF-style: chr17-80104792-A-G. GRCh37 (hg19) VCF-style: chr17-78078591-A-G.
Other names: c.206A>G, p.Gln69Arg (NM_001079803.3, NM_001079804.3); short protein forms Q69R.
Identifiers: ClinVar variation 1057790 (VCV001057790.9), dbSNP rs767191385, ClinGen allele CA8814807.
Genomic context (GRCh38, chr17:80,104,792, plus strand): 5'-TGGAGGAGACTCACCCAGCTCACCAGCAGGGAGCCAGCAGACCAGGGCCCCGGGATGCCC[A>G]GGCACACCCCGGCCGTCCCAGAGCAGTGCCCACACAGTGCGACGTCCCCCCCAACAGCCG-3'
Protein context (NP_000143.2, residues 59-79): GASRPGPRDA[Gln69Arg]AHPGRPRAVP

ClinVar aggregate classification (germline): Uncertain significance. Review status: criteria provided, multiple submitters, no conflicts (2 of 4 stars). 4 submissions from 4 submitters: Uncertain significance (4). Last evaluated 2024-03-13.

Conditions:
Glycogen storage disease, type II (IOPD). Also called: Glucosidase acid-1,4-alpha deficiency; CARDIOMEGALIA GLYCOGENICA DIFFUSA; GLYCOGENOSIS, GENERALIZED, CARDIAC FORM; GSD II; ACID MALTASE DEFICIENCY, INFANTILE-ONSET; POMPE DISEASE, INFANTILE-ONSET. Identifiers: Orphanet 365, MedGen C0017921, MONDO:0009290, OMIM 232300.

Allele frequency attached by ClinVar (database versions not stated): gnomAD exomes below 0.00001 and 0.00001; ExAC 0.00001; gnomAD 0.00001; TOPMed 0.00001.
gnomAD v4.1: 4 of 1,611,854 alleles (0.00025%); highest among the groups gnomAD compares: Middle Eastern, 0.016%; no homozygotes.

Submissions (4):

ARUP Laboratories, Molecular Genetics and Genomics, ARUP Laboratories
Classification: Uncertain significance for Glycogen storage disease, type II. Last evaluated: 2024-03-13. Review status: criteria provided, single submitter. Criteria: ARUP Molecular Germline Variant Investigation Process 2024. Collection method: clinical testing. Allele origin: germline.
Comment: The GAA c.206A>G; p.Gln69Arg variant (rs767191385), to our knowledge, is not reported in the medical literature but is reported in ClinVar (Variation ID: 1057790). This variant is only found on one allele in the Genome Aggregation Database (v2.1.1), indicating it is not a common polymorphism. Computational analyses predict that this variant is neutral (REVEL: 0.145). Due to limited information, the clinical significance of this variant is uncertain at this time.

Revvity Omics, Revvity
Classification: Uncertain significance. Last evaluated: 2023-11-07. Review status: criteria provided, single submitter. Criteria: ACMG Guidelines, 2015. Collection method: clinical testing. Allele origin: germline.

Fulgent Genetics
Classification: Uncertain significance for Glycogen storage disease, type II. Last evaluated: 2021-11-04. Review status: criteria provided, single submitter. Criteria: ACMG Guidelines, 2015. Collection method: clinical testing. Allele origin: unknown.

Labcorp Genetics (formerly Invitae), Labcorp
Classification: Uncertain significance for Glycogen storage disease, type II. Last evaluated: 2021-08-30. Review status: criteria provided, single submitter. Criteria: Invitae Variant Classification Sherloc (09022015). Collection method: clinical testing. Allele origin: germline.
Comment: This sequence change replaces glutamine with arginine at codon 69 of the GAA protein (p.Gln69Arg). The glutamine residue is weakly conserved and there is a small physicochemical difference between glutamine and arginine. This variant is present in population databases (rs767191385, ExAC 0.002%). This variant has not been reported in the literature in individuals affected with GAA-related conditions. Advanced modeling of protein sequence and biophysical properties (such as structural, functional, and spatial information, amino acid conservation, physicochemical variation, residue mobility, and thermodynamic stability) performed at Invitae indicates that this missense variant is not expected to disrupt GAA protein function. In summary, the available evidence is currently insufficient to determine the role of this variant in disease. Therefore, it has been classified as a Variant of Uncertain Significance.